The following is an entry in ClinVar:

ClinVar aggregate classification (germline): Pathogenic. Review status: criteria provided, multiple submitters, no conflicts (2 of 4 stars). 2 submissions from 2 submitters: Pathogenic (2). Last evaluated 2026-08-28.

Conditions:
Lynch syndrome 5 (LYNCH5). Also called: Colorectal cancer, hereditary nonpolyposis, type 5; Hereditary non-polyposis colorectal cancer, type 5. Identifiers: Orphanet 144, MedGen C1833477, MONDO:0013710, OMIM 614350. Disease mechanism: loss of function.
Hereditary cancer-predisposing syndrome. Also called: Neoplastic Syndromes, Hereditary; Tumor predisposition; Hereditary Cancer Syndrome; Hereditary neoplastic syndrome. Identifiers: Orphanet 140162, MedGen C0027672, MeSH D009386, MONDO:0015356.

Submissions (2):

Ambry Genetics
Classification: Pathogenic for Hereditary cancer-predisposing syndrome. Last evaluated: 2026-08-28. Review status: criteria provided, single submitter. Criteria: Ambry Variant Classification Scheme 2023. Collection method: clinical testing. Allele origin: germline.
Comment: The c.2284_2291delGTTGATAC pathogenic mutation, located in coding exon 4 of the MSH6 gene, results from a deletion of 8 nucleotides at nucleotide positions 2284 to 2291, causing a translational frameshift with a predicted alternate stop codon (p.V762Lfs*7). This variant is considered to be rare based on population cohorts in the Genome Aggregation Database (gnomAD). This alteration is expected to result in loss of function by premature protein truncation or nonsense-mediated mRNA decay. As such, this alteration is interpreted as a disease-causing mutation.

Molecular Pathology, Peter Maccallum Cancer Centre
Classification: Pathogenic for Lynch syndrome 5. Last evaluated: 2025-01-03. Review status: criteria provided, single submitter. Criteria: ACMG Guidelines, 2015. Collection method: clinical testing. Allele origin: germline. Inheritance: Autosomal dominant inheritance.

NM_000179.3(MSH6):c.2284_2291del (p.Val762fs)

Gene: MSH6 (mutS homolog 6; plus strand). Cytogenetic location: 2p16.3.
Variant type: Deletion.
Coding change: c.2284_2291del on transcript NM_000179.3 (MANE Select); coding-DNA positions 2284 to 2291, 8 bases deleted (GTTGATAC; older notation c.2284_2291delGTTGATAC).
Protein change: p.Val762fs; shifts the reading frame from valine 762.
Molecular consequence: frameshift variant. On other transcripts: non-coding transcript variant (5), intron variant (2).
Genome position (GRCh38, 1-based): chr2:47,800,267-47,800,274, GTTGATAC deleted. VCF-style (leftmost placement, unchanged base first): chr2-47800266-GGTTGATAC-G. GRCh37 (hg19) VCF-style: chr2-48027405-GGTTGATAC-G.
Other names: c.1894_1901del, p.Val632fs (NM_001281492.2); c.1378_1385del, p.Val460fs (NM_001281493.2, NM_001281494.2, NM_001406811.1 and 6 more transcripts); c.2380_2387del, p.Val794fs (NM_001406795.1, NM_001406802.1); c.2284_2291del, p.Val762fs (NM_001406796.1, NM_001406798.1, NM_001406800.1 and 3 more transcripts); c.1987_1994del, p.Val663fs (NM_001406797.1, NM_001406801.1, NM_001406805.1 and 10 more transcripts); c.1759_1766del, p.Val587fs (NM_001406799.1, NM_001406806.1, NM_001406807.1); c.2206_2213del, p.Val736fs (NM_001406804.1); c.2290_2297del, p.Val764fs (NM_001406813.1); and 3 more; short protein forms V460fs, V764fs, V587fs, V632fs, V736fs, V762fs, V794fs, V706fs.
Identifiers: ClinVar variation 4056201 (VCV004056201.2).
Genomic context (GRCh38, chr2:47,800,266, plus strand): 5'-CAACTTGGAGATTTTTCTGAATGGAACAAATGGTTCTACTGAAGGAACCCTACTAGAGAG[GGTTGATAC>G]TTGCCATACTCCTTTTGGTAAGCGGCTCCTAAAGCAATGGCTTTGTGCCCCACTCTGTAA-3'